The following is an entry in ClinVar:

ClinVar aggregate classification (germline): Conflicting classifications of pathogenicity. Review status: criteria provided, conflicting classifications (1 of 4 stars). 2 submissions from 2 submitters: Uncertain significance (1); Likely benign (1). Last evaluated 2024-06-13.

Conditions:
Cardiovascular phenotype. Identifiers: MedGen CN230736.

Allele frequency attached by ClinVar (database versions not stated): gnomAD 0.00001; gnomAD exomes 0.00001 and 0.00002; TOPMed 0.00003.
gnomAD v4.1: 31 of 1,550,148 alleles (0.002%); highest among the groups gnomAD compares: Non-Finnish European, 0.0024%; no homozygotes.

Submissions (2):

Labcorp Genetics (formerly Invitae), Labcorp
Classification: Uncertain significance. Last evaluated: 2024-06-13. Review status: criteria provided, single submitter. Criteria: Invitae Variant Classification Sherloc (09022015). Collection method: clinical testing. Allele origin: germline.
Comment: This sequence change replaces threonine, which is neutral and polar, with isoleucine, which is neutral and non-polar, at codon 2263 of the ZNF469 protein (p.Thr2263Ile). This variant is present in population databases (no rsID available, gnomAD 0.004%). This variant has not been reported in the literature in individuals affected with ZNF469-related conditions. ClinVar contains an entry for this variant (Variation ID: 1401924). Algorithms developed to predict the effect of missense changes on protein structure and function output the following: SIFT: "Not Available"; PolyPhen-2: "Benign"; Align-GVGD: "Not Available". The isoleucine amino acid residue is found in multiple mammalian species, which suggests that this missense change does not adversely affect protein function. In summary, the available evidence is currently insufficient to determine the role of this variant in disease. Therefore, it has been classified as a Variant of Uncertain Significance.

Ambry Genetics
Classification: Likely benign for Cardiovascular phenotype. Last evaluated: 2023-09-29. Review status: criteria provided, single submitter. Criteria: Ambry Variant Classification Scheme 2023. Collection method: clinical testing. Allele origin: germline.

NM_001367624.2(ZNF469):c.6872C>T (p.Thr2291Ile)

Gene: ZNF469 (zinc finger protein 469; plus strand). Cytogenetic location: 16q24.2.
Variant type: single nucleotide variant.
Coding change: c.6872C>T on transcript NM_001367624.2 (MANE Select); coding-DNA position 6872, C replaced by T.
Protein change: p.Thr2291Ile; replaces threonine 2291 with isoleucine.
Molecular consequence: missense variant.
Genome position (GRCh38, 1-based): chr16:88,434,342, C>T. VCF-style: chr16-88434342-C-T. GRCh37 (hg19) VCF-style: chr16-88500750-C-T.
Other names: NM_001127464.1:c.6788C>T; short protein forms T2291I.
Identifiers: ClinVar variation 1401924 (VCV001401924.6), dbSNP rs992962962, ClinGen allele CA286382122.